The following is an entry in ClinVar:

ClinVar aggregate classification (germline): Uncertain significance (1 of 4 stars; one submission).

Conditions:
Familial hypobetalipoproteinemia 1. Also called: APOB-Related Familial Hypobetalipoproteinemia; Hypobetalipoproteinemia, normotriglyceridemic; Acanthocytosis with hypobetalipoproteinemia. Identifiers: MedGen C4551990, MONDO:0014252, OMIM 615558.
Hypercholesterolemia, autosomal dominant, type B (FHCL2). Also called: Familial Hypercholesterolemia Type B; APOLIPOPROTEIN B-100, FAMILIAL DEFECTIVE; APOLIPOPROTEIN B-100, FAMILIAL LIGAND-DEFECTIVE; HYPERCHOLESTEROLEMIA, FAMILIAL, DUE TO LIGAND-DEFECTIVE APOLIPOPROTEIN B; APOB-Related Familial Hypercholesterolemia, Autosomal Dominant; Familial hypercholesterolemia 2. Identifiers: MedGen C1704417, MONDO:0007751, OMIM 144010.

Submission:

Labcorp Genetics (formerly Invitae), Labcorp
Classification: Uncertain significance for Familial hypobetalipoproteinemia 1; Hypercholesterolemia, autosomal dominant, type B. Last evaluated: 2021-04-09. Review status: criteria provided, single submitter. Criteria: Invitae Variant Classification Sherloc (09022015). Collection method: clinical testing. Allele origin: germline.
Comment: This sequence change replaces asparagine with histidine at codon 752 of the APOB protein (p.Asn752His). The asparagine residue is moderately conserved and there is a small physicochemical difference between asparagine and histidine. In summary, the available evidence is currently insufficient to determine the role of this variant in disease. Therefore, it has been classified as a Variant of Uncertain Significance. Algorithms developed to predict the effect of missense changes on protein structure and function are either unavailable or do not agree on the potential impact of this missense change (SIFT: "Deleterious"; PolyPhen-2: "Possibly Damaging"; Align-GVGD: "Class C0"). This variant has not been reported in the literature in individuals with APOB-related conditions. This variant is not present in population databases (ExAC no frequency).

NM_000384.3(APOB):c.2254A>C (p.Asn752His)

Gene: APOB (apolipoprotein B; minus strand). Cytogenetic location: 2p24.1.
Variant type: single nucleotide variant.
Coding change: c.2254A>C on transcript NM_000384.3 (MANE Select); coding-DNA position 2254, A replaced by C.
Protein change: p.Asn752His; replaces asparagine 752 with histidine.
Molecular consequence: missense variant.
Genome position (GRCh38, 1-based): chr2:21,025,115, T>G on the plus strand (A>C on the coding strand, the complement: APOB is on the minus strand). VCF-style: chr2-21025115-T-G. GRCh37 (hg19) VCF-style: chr2-21247987-T-G.
Other names: short protein forms N752H.
Identifiers: ClinVar variation 1524361 (VCV001524361.8), dbSNP rs2103372374, ClinGen allele CA346012188.